The following is an entry in ClinVar:

ClinVar aggregate classification (germline): Benign/Likely benign. Review status: criteria provided, multiple submitters, no conflicts (2 of 4 stars). 7 submissions from 7 submitters: Benign (4); Likely benign (2). 1 of the submissions does not count toward it. Last evaluated 2023-11-28.

Conditions:
Inborn genetic diseases. Identifiers: MedGen C0950123, MeSH D030342.

Allele frequency attached by ClinVar (database versions not stated): 1000 Genomes Project 0.04318; 1000 Genomes Project 30x 0.14506; TOPMed 0.15803.

Submissions (7):

ARUP Laboratories, Molecular Genetics and Genomics, ARUP Laboratories
Classification: Benign. Last evaluated: 2023-11-28. Review status: criteria provided, single submitter. Criteria: ARUP Molecular Germline Variant Investigation Process 2024. Collection method: clinical testing. Allele origin: germline.

Labcorp Genetics (formerly Invitae), Labcorp
Classification: Benign. Last evaluated: 2019-12-31. Review status: criteria provided, single submitter. Criteria: Invitae Variant Classification Sherloc (09022015). Collection method: clinical testing. Allele origin: germline.

GeneDx
Classification: Likely benign. Last evaluated: 2019-03-26. Review status: criteria provided, single submitter. Criteria: GeneDx Variant Classification Process June 2021. Collection method: clinical testing. Allele origin: germline. Affected: yes.

Ambry Genetics
Classification: Benign for Inborn genetic diseases. Last evaluated: 2014-12-13. Review status: criteria provided, single submitter. Criteria: Ambry Variant Classification Scheme 2023. Collection method: clinical testing. Allele origin: germline.

Eurofins Ntd Llc (ga)
Classification: Benign. Last evaluated: 2013-10-16. Review status: criteria provided, single submitter. Criteria: EGL Classification Definitions 2015. Collection method: clinical testing. Allele origin: germline. Observed: 43 variant alleles, 22 heterozygotes, 2 homozygotes, 19 hemizygotes.

Breakthrough Genomics
Classification: Likely benign. Review status: criteria provided, single submitter. Criteria: ACMG Guidelines, 2015. Collection method: not provided. Allele origin: germline. Inheritance: X-linked inheritance. Affected: yes.

Genetic Services Laboratory, University of Chicago
Classification: Likely benign for AllHighlyPenetrant. Review status: no assertion criteria provided. Collection method: clinical testing. Allele origin: germline. Inheritance: X-linked inheritance. Not counted in ClinVar's aggregate classification.
Comment: Likely benign based on allele frequency in 1000 Genomes Project or ESP global frequency and its presence in a patient with a rare or unrelated disease phenotype. NOT Sanger confirmed.

NM_181332.3(NLGN4X):c.1779C>G (p.Leu593=)

Gene: NLGN4X (neuroligin 4 X-linked; minus strand). Cytogenetic location: Xp22.32.
Variant type: single nucleotide variant.
Coding change: c.1779C>G on transcript NM_181332.3 (MANE Select); coding-DNA position 1779, C replaced by G.
Protein change: p.Leu593=; no amino-acid change (leucine 593 retained).
Molecular consequence: synonymous variant.
Genome position (GRCh38, 1-based): chrX:5,893,489, G>C on the plus strand (C>G on the coding strand, the complement: NLGN4X is on the minus strand). VCF-style: chrX-5893489-G-C. GRCh37 (hg19) VCF-style: chrX-5811530-G-C.
Other names: c.1779C>G, p.Leu593= (NM_001282145.2, NM_001282146.2, NM_020742.4).
Identifiers: ClinVar variation 95981 (VCV000095981.32), dbSNP rs3747334, ClinGen allele CA149102.